The following is an entry in ClinVar:

NM_001089.3(ABCA3):c.613G>A (p.Gly205Arg)

Gene: ABCA3 (ATP binding cassette subfamily A member 3; minus strand). Cytogenetic location: 16p13.3.
Variant type: single nucleotide variant.
Coding change: c.613G>A on transcript NM_001089.3 (MANE Select); coding-DNA position 613, G replaced by A.
Protein change: p.Gly205Arg; replaces glycine 205 with arginine.
Molecular consequence: missense variant.
Genome position (GRCh38, 1-based): chr16:2,323,523, C>T on the plus strand (G>A on the coding strand, the complement: ABCA3 is on the minus strand). VCF-style: chr16-2323523-C-T. GRCh37 (hg19) VCF-style: chr16-2373524-C-T.
Other names: short protein forms G205R.
Identifiers: ClinVar variation 88779 (VCV000088779.2), dbSNP rs397518426, ClinGen allele CA220100.

ClinVar aggregate classification (germline): not provided (0 of 4 stars; one submission).

Submission:

Cole and Hamvas Lab,  Washington University - St. Louis
No classification provided. Review status: no classification provided. Collection method: not provided. Allele origin: unknown.
Comment: Han Chinese
ClinVar note: Converted during submission from untested to not provided.